The following is an entry in ClinVar:

ClinVar aggregate classification (germline): Uncertain significance (1 of 4 stars; one submission).

Allele frequency attached by ClinVar (database versions not stated): gnomAD exomes below 0.00001; ExAC 0.00001.

Submission:

GeneDx
Classification: Uncertain significance. Last evaluated: 2019-11-27. Review status: criteria provided, single submitter. Criteria: GeneDx Variant Classification Process June 2021. Collection method: clinical testing. Allele origin: germline. Affected: yes.
Comment: In silico analysis, which includes protein predictors and evolutionary conservation, supports that this variant does not alter protein structure/function; Has not been previously published as pathogenic or benign to our knowledge

NM_015178.3(RHOBTB2):c.919G>T (p.Gly307Cys)

Gene: RHOBTB2 (Rho related BTB domain containing 2; plus strand). Cytogenetic location: 8p21.3.
Variant type: single nucleotide variant.
Coding change: c.919G>T on transcript NM_015178.3 (MANE Select); coding-DNA position 919, G replaced by T.
Protein change: p.Gly307Cys; replaces glycine 307 with cysteine.
Molecular consequence: missense variant.
Genome position (GRCh38, 1-based): chr8:23,007,164, G>T. VCF-style: chr8-23007164-G-T. GRCh37 (hg19) VCF-style: chr8-22864677-G-T.
Other names: c.985G>T, p.Gly329Cys (NM_001160036.2); c.940G>T, p.Gly314Cys (NM_001160037.2); c.919G>T, p.Gly307Cys (NM_001374791.1); short protein forms G307C, G314C, G329C.
Identifiers: ClinVar variation 1310637 (VCV001310637.2), dbSNP rs751243247, ClinGen allele CA4672569.